The following is an entry in ClinVar:

ClinVar aggregate classification (germline): Uncertain significance (1 of 4 stars; one submission).

Conditions:
Hereditary cancer-predisposing syndrome. Also called: Tumor predisposition; Hereditary neoplastic syndrome; Hereditary Cancer Syndrome; Neoplastic Syndromes, Hereditary. Identifiers: Orphanet 140162, MedGen C0027672, MeSH D009386, MONDO:0015356.

Submission:

Ambry Genetics
Classification: Uncertain significance for Hereditary cancer-predisposing syndrome. Last evaluated: 2025-05-15. Review status: criteria provided, single submitter. Criteria: Ambry Variant Classification Scheme 2023. Collection method: clinical testing. Allele origin: germline.
Comment: The c.576+4A>C intronic variant results from an A to C substitution 4 nucleotides after coding exon 6 in the RAD51D gene. This nucleotide position is well conserved in available vertebrate species. In silico splice site analysis predicts that this alteration will not have any significant effect on splicing. Based on the available evidence, the clinical significance of this variant remains unclear.

NM_002878.4(RAD51D):c.576+4A>C

Genes: RAD51D (RAD51 paralog D; minus strand), RAD51L3-RFFL (RAD51L3-RFFL readthrough; minus strand). Cytogenetic location: 17q12.
Variant type: single nucleotide variant.
Coding change: c.576+4A>C on transcript NM_002878.4 (MANE Select); 4 bases into the intron after coding-DNA position 576, A replaced by C.
Molecular consequence: intron variant.
Genome position (GRCh38, 1-based): chr17:35,106,382, T>G on the plus strand (A>C on the coding strand, the complement: RAD51D is on the minus strand). VCF-style: chr17-35106382-T-G. GRCh37 (hg19) VCF-style: chr17-33433401-T-G.
Other names: c.240+4A>C (NM_133629.3); c.636+4A>C (NM_001142571.2).
Identifiers: ClinVar variation 3942387 (VCV003942387.1).